The following is an entry in ClinVar:

NM_016219.5(MAN1B1):c.671G>A (p.Arg224Lys)

Gene: MAN1B1 (mannosidase alpha class 1B member 1; plus strand). Cytogenetic location: 9q34.3.
Variant type: single nucleotide variant.
Coding change: c.671G>A on transcript NM_016219.5 (MANE Select); coding-DNA position 671, G replaced by A.
Protein change: p.Arg224Lys; replaces arginine 224 with lysine.
Molecular consequence: missense variant. On other transcripts: non-coding transcript variant (2).
Genome position (GRCh38, 1-based): chr9:137,097,878, G>A. VCF-style: chr9-137097878-G-A. GRCh37 (hg19) VCF-style: chr9-139992330-G-A.
Other names: c.563G>A, p.Arg188Lys (NM_007230.1); short protein forms R224K, R188K.
Identifiers: ClinVar variation 2101432 (VCV002101432.4), dbSNP rs2538318214, ClinGen allele CA375645245.

ClinVar aggregate classification (germline): Uncertain significance (1 of 4 stars; one submission).

Conditions:
Rafiq syndrome (RAFQS). Identifiers: Orphanet 88616, MedGen C3280127, MONDO:0013624, OMIM 614202.

Allele frequency attached by ClinVar (database versions not stated): gnomAD exomes below 0.00001.
gnomAD v4.1: 1 of 1,560,686 alleles (0.000064%); highest among the groups gnomAD compares: Non-Finnish European, 0.000087%; no homozygotes.

Submission:

Labcorp Genetics (formerly Invitae), Labcorp
Classification: Uncertain significance for Rafiq syndrome. Last evaluated: 2022-04-14. Review status: criteria provided, single submitter. Criteria: Invitae Variant Classification Sherloc (09022015). Collection method: clinical testing. Allele origin: germline.
Comment: In summary, the available evidence is currently insufficient to determine the role of this variant in disease. Therefore, it has been classified as a Variant of Uncertain Significance. Algorithms developed to predict the effect of missense changes on protein structure and function output the following: SIFT: "Tolerated"; PolyPhen-2: "Benign"; Align-GVGD: "Class C0". The lysine amino acid residue is found in multiple mammalian species, which suggests that this missense change does not adversely affect protein function. This variant has not been reported in the literature in individuals affected with MAN1B1-related conditions. This variant is not present in population databases (gnomAD no frequency). This sequence change replaces arginine, which is basic and polar, with lysine, which is basic and polar, at codon 224 of the MAN1B1 protein (p.Arg224Lys).